The following is an entry in ClinVar:

ClinVar aggregate classification (germline): Uncertain significance (1 of 4 stars; one submission).

gnomAD v4.1: 4 of 1,201,035 alleles (0.00033%); highest among the groups gnomAD compares: African/African-American, 0.0035%; no homozygotes.

Submission:

Labcorp Genetics (formerly Invitae), Labcorp
Classification: Uncertain significance. Last evaluated: 2025-11-27. Review status: criteria provided, single submitter. Criteria: Invitae Variant Classification Sherloc (09022015). Collection method: clinical testing. Allele origin: germline.
Comment: This sequence change replaces isoleucine, which is neutral and non-polar, with threonine, which is neutral and polar, at codon 1414 of the COL4A6 protein (p.Ile1414Thr). The frequency data for this variant in the population databases is considered unreliable, as metrics indicate poor data quality at this position in the gnomAD database. This variant has not been reported in the literature in individuals affected with COL4A6-related conditions. Invitae Evidence Modeling of protein sequence and biophysical properties (such as structural, functional, and spatial information, amino acid conservation, physicochemical variation, residue mobility, and thermodynamic stability) indicates that this missense variant is not expected to disrupt COL4A6 protein function with a negative predictive value of 80%. In summary, the available evidence is currently insufficient to determine the role of this variant in disease. Therefore, it has been classified as a Variant of Uncertain Significance.

NM_033641.4(COL4A6):c.4238T>C (p.Ile1413Thr)

Gene: COL4A6 (collagen type IV alpha 6 chain; minus strand). Cytogenetic location: Xq22.3.
Variant type: single nucleotide variant.
Coding change: c.4238T>C on transcript NM_033641.4 (MANE Select); coding-DNA position 4238, T replaced by C.
Protein change: p.Ile1413Thr; replaces isoleucine 1413 with threonine.
Molecular consequence: missense variant.
Genome position (GRCh38, 1-based): chrX:108,161,714, A>G on the plus strand (T>C on the coding strand, the complement: COL4A6 is on the minus strand). VCF-style: chrX-108161714-A-G. GRCh37 (hg19) VCF-style: chrX-107404944-A-G.
Other names: c.4289T>C, p.Ile1430Thr (NM_001287758.2); c.4166T>C, p.Ile1389Thr (NM_001287759.2); c.4067T>C, p.Ile1356Thr (NM_001287760.2); c.4241T>C, p.Ile1414Thr (NM_001847.4); short protein forms I1413T, I1356T, I1389T, I1414T, I1430T.
Identifiers: ClinVar variation 4774692 (VCV004774692.1).